The following is an entry in ClinVar:

NM_005592.4(MUSK):c.1420G>A (p.Asp474Asn)

Gene: MUSK (muscle associated receptor tyrosine kinase; plus strand). Cytogenetic location: 9q31.3.
Variant type: single nucleotide variant.
Coding change: c.1420G>A on transcript NM_005592.4 (MANE Select); coding-DNA position 1420, G replaced by A.
Protein change: p.Asp474Asn; replaces aspartic acid 474 with asparagine.
Molecular consequence: missense variant.
Genome position (GRCh38, 1-based): chr9:110,784,850, G>A. VCF-style: chr9-110784850-G-A. GRCh37 (hg19) VCF-style: chr9-113547130-G-A.
Other names: c.1162G>A, p.Asp388Asn (NM_001166280.2); c.1132G>A, p.Asp378Asn (NM_001166281.2); c.160G>A, p.Asp54Asn (NM_001369398.1); short protein forms D474N, D378N, D388N, D54N.
Identifiers: ClinVar variation 2070926 (VCV002070926.1), dbSNP rs1009648266, ClinGen allele CA198357371.

ClinVar aggregate classification (germline): Uncertain significance (1 of 4 stars; one submission).

Conditions:
Congenital myasthenic syndrome 9. Also called: Myasthenic syndrome, congenital, 9, associated with acetylcholine receptor deficiency. Identifiers: Orphanet 590, MedGen C4225368, MONDO:0014587, OMIM 616325.
Fetal akinesia deformation sequence 1 (FADS1). Also called: Fetal akinesia sequence; Pena-Shokeir syndrome type I. Identifiers: Orphanet 994, MedGen C1276035, MONDO:0100101, OMIM 208150, HP:0001989.

Allele frequency attached by ClinVar (database versions not stated): gnomAD exomes below 0.00001; gnomAD 0.00002; TOPMed 0.00003.
gnomAD v4.1: 7 of 1,613,390 alleles (0.00043%); highest among the groups gnomAD compares: East Asian, 0.0067%; no homozygotes.

Submission:

Labcorp Genetics (formerly Invitae), Labcorp
Classification: Uncertain significance for Congenital myasthenic syndrome 9; Fetal akinesia deformation sequence 1. Last evaluated: 2022-06-23. Review status: criteria provided, single submitter. Criteria: Invitae Variant Classification Sherloc (09022015). Collection method: clinical testing. Allele origin: germline.
Comment: This sequence change replaces aspartic acid, which is acidic and polar, with asparagine, which is neutral and polar, at codon 474 of the MUSK protein (p.Asp474Asn). This variant is present in population databases (no rsID available, gnomAD 0.01%). This variant has not been reported in the literature in individuals affected with MUSK-related conditions. Advanced modeling of protein sequence and biophysical properties (such as structural, functional, and spatial information, amino acid conservation, physicochemical variation, residue mobility, and thermodynamic stability) performed at Invitae indicates that this missense variant is not expected to disrupt MUSK protein function. In summary, the available evidence is currently insufficient to determine the role of this variant in disease. Therefore, it has been classified as a Variant of Uncertain Significance.